The following is an entry in ClinVar:

ClinVar aggregate classification (germline): Likely benign. Review status: criteria provided, multiple submitters, no conflicts (2 of 4 stars). 3 submissions from 3 submitters: Likely benign (3). Last evaluated 2025-12-05.

Conditions:
PCNT-related disorder. Also called: PCNT-related condition.

Allele frequency attached by ClinVar (database versions not stated): TOPMed 0.00003; ESP Exome Variant Server 0.00008.
gnomAD v4.1: 194 of 1,614,062 alleles (0.012%); highest among the groups gnomAD compares: Admixed American, 0.052%; no homozygotes.

Submissions (3):

PreventionGenetics, part of Exact Sciences
Classification: Likely benign for PCNT-related condition. Last evaluated: 2025-12-05. Review status: criteria provided, single submitter. Criteria: ACMG Guidelines, 2015. Collection method: clinical testing. Allele origin: germline.
Comment: This variant is classified as likely benign based on ACMG/AMP sequence variant interpretation guidelines (Richards et al. 2015 PMID: 25741868, with internal and published modifications).

Blueprint Genetics
Classification: Likely benign. Last evaluated: 2024-04-02. Review status: criteria provided, single submitter. Criteria: ACMG Guidelines, 2015. Collection method: clinical testing. Allele origin: germline.

Labcorp Genetics (formerly Invitae), Labcorp
Classification: Likely benign. Last evaluated: 2023-09-21. Review status: criteria provided, single submitter. Criteria: Invitae Variant Classification Sherloc (09022015). Collection method: clinical testing. Allele origin: germline.

NM_006031.6(PCNT):c.3404G>A (p.Arg1135Gln)

Gene: PCNT (pericentrin; plus strand). Cytogenetic location: 21q22.3.
Variant type: single nucleotide variant.
Coding change: c.3404G>A on transcript NM_006031.6 (MANE Select); coding-DNA position 3404, G replaced by A.
Protein change: p.Arg1135Gln; replaces arginine 1135 with glutamine.
Molecular consequence: missense variant.
Genome position (GRCh38, 1-based): chr21:46,385,923, G>A. VCF-style: chr21-46385923-G-A. GRCh37 (hg19) VCF-style: chr21-47805838-G-A.
Other names: c.3404G>A (NM_006031.5); c.3050G>A, p.Arg1017Gln (NM_001315529.2); short protein forms R1017Q, R1135Q.
Identifiers: ClinVar variation 2899597 (VCV002899597.7), dbSNP rs146287555, ClinGen allele CA10079284.